The following is an entry in ClinVar:

ClinVar aggregate classification (germline): Likely benign. Review status: criteria provided, multiple submitters, no conflicts (2 of 4 stars). 2 submissions from 2 submitters: Likely benign (2). Last evaluated 2026-01-17.

Conditions:
Charcot-Marie-Tooth disease axonal type 2O. Also called: Charcot-Marie-Tooth disease, axonal, type 20; CHARCOT-MARIE-TOOTH NEUROPATHY, AXONAL, TYPE 2O; CHARCOT-MARIE-TOOTH DISEASE, AXONAL, AUTOSOMAL DOMINANT, TYPE 2O; Charcot-Marie-Tooth Neuropathy Type 2O. Identifiers: Orphanet 284232, MedGen C3280220, MONDO:0013644, OMIM 614228.

Allele frequency attached by ClinVar (database versions not stated): TOPMed 0.00002.

Submissions (2):

Labcorp Genetics (formerly Invitae), Labcorp
Classification: Likely benign for Charcot-Marie-Tooth disease axonal type 2O. Last evaluated: 2026-01-17. Review status: criteria provided, single submitter. Criteria: Invitae Variant Classification Sherloc (09022015). Collection method: clinical testing. Allele origin: germline.

GeneDx
Classification: Likely benign. Last evaluated: 2016-08-30. Review status: criteria provided, single submitter. Criteria: GeneDx Variant Classification (06012015). Collection method: clinical testing. Allele origin: germline. Affected: yes.
Comment: This variant is considered likely benign or benign based on one or more of the following criteria: it is a conservative change, it occurs at a poorly conserved position in the protein, it is predicted to be benign by multiple in silico algorithms, and/or has population frequency not consistent with disease.

NM_001376.5(DYNC1H1):c.8550C>A (p.Ile2850=)

Gene: DYNC1H1 (dynein cytoplasmic 1 heavy chain 1; plus strand). Cytogenetic location: 14q32.31.
Variant type: single nucleotide variant.
Coding change: c.8550C>A on transcript NM_001376.5 (MANE Select); coding-DNA position 8550, C replaced by A.
Protein change: p.Ile2850=; no amino-acid change (isoleucine 2850 retained).
Molecular consequence: synonymous variant.
Genome position (GRCh38, 1-based): chr14:102,022,793, C>A. VCF-style: chr14-102022793-C-A. GRCh37 (hg19) VCF-style: chr14-102489130-C-A.
Identifiers: ClinVar variation 388860 (VCV000388860.5), dbSNP rs1057523253, ClinGen allele CA16606492.